The following is an entry in ClinVar:

ClinVar aggregate classification (germline): Likely benign (1 of 4 stars; one submission).

Submission:

CeGaT Center for Human Genetics Tuebingen
Classification: Likely benign. Last evaluated: 2025-03-01. Review status: criteria provided, single submitter. Criteria: CeGaT Center For Human Genetics Tuebingen Variant Classification Criteria Version 2. Collection method: clinical testing. Allele origin: germline. Affected: yes. Observed: 1 variant allele.
Comment: DEFB106B: BP4, BP7

NM_001040704.2(DEFB106B):c.27C>T (p.Ala9=)

Gene: DEFB106B (defensin beta 106B). Cytogenetic location: 8p23.1.
Variant type: single nucleotide variant.
Coding change: c.27C>T on transcript NM_001040704.2 (MANE Select); coding-DNA position 27, C replaced by T.
Protein change: p.Ala9=; no amino-acid change (alanine 9 retained).
Molecular consequence: synonymous variant.
Genome position (GRCh38, 1-based): chr8:7,486,356, G>A on the plus strand (C>T on the coding strand, the complement: DEFB106B is on the minus strand). VCF-style: chr8-7486356-G-A. GRCh37 (hg19) VCF-style: chr8-7343878-G-A.
Identifiers: ClinVar variation 3777947 (VCV003777947.7).